The following is an entry in ClinVar:

NM_031433.4(MFRP):c.971A>G (p.Gln324Arg)

Genes: C1QTNF5 (C1q and TNF related 5; minus strand), MFRP (membrane frizzled-related protein; minus strand). Cytogenetic location: 11q23.3.
Variant type: single nucleotide variant.
Coding change: c.971A>G on transcript NM_031433.4 (MANE Select); coding-DNA position 971, A replaced by G.
Protein change: p.Gln324Arg; replaces glutamine 324 with arginine.
Molecular consequence: missense variant. On other transcripts: 5 prime UTR variant (1).
Genome position (GRCh38, 1-based): chr11:119,344,319, T>C on the plus strand (A>G on the coding strand, the complement: MFRP is on the minus strand). VCF-style: chr11-119344319-T-C. GRCh37 (hg19) VCF-style: chr11-119215029-T-C.
Other names: c.-1666A>G (NM_015645.5); short protein forms Q324R.
Identifiers: ClinVar variation 302958 (VCV000302958.17), dbSNP rs142198552, ClinGen allele CA6320315.

ClinVar aggregate classification (germline): Uncertain significance. Review status: criteria provided, multiple submitters, no conflicts (2 of 4 stars). 6 submissions from 5 submitters: Uncertain significance (6). Last evaluated 2025-09-01.

Conditions:
Inborn genetic diseases. Identifiers: MedGen C0950123, MeSH D030342.
Isolated microphthalmia 5. Also called: Posterior Microphthalmia with Retinitis Pigmentosa, Foveoschisis, and Optic Disc Drusen. Identifiers: Orphanet 251279, MedGen C1970236, MONDO:0012605, OMIM 611040.
Late-onset retinal degeneration (LORD). Also called: RETINAL DEGENERATION, LATE-ONSET, AUTOSOMAL DOMINANT. Identifiers: Orphanet 67042, MedGen C1854065, MONDO:0011579, OMIM 605670. Disease mechanism: loss of function.

Allele frequency attached by ClinVar (database versions not stated): gnomAD exomes 0.00009; gnomAD 0.00013; 1000 Genomes Project 0.00020; 1000 Genomes Project 30x 0.00031; ESP Exome Variant Server 0.00062; ExAC 0.00011; TOPMed 0.00015.
gnomAD v4.1: 420 of 1,613,870 alleles (0.026%); highest among the groups gnomAD compares: Non-Finnish European, 0.035%; no homozygotes.

Submissions (6):

Ambry Genetics
Classification: Uncertain significance for Inborn genetic diseases. Last evaluated: 2025-09-01. Review status: criteria provided, single submitter. Criteria: Ambry Variant Classification Scheme 2023. Collection method: clinical testing. Allele origin: germline.

Labcorp Genetics (formerly Invitae), Labcorp
Classification: Uncertain significance for Isolated microphthalmia 5. Last evaluated: 2024-10-23. Review status: criteria provided, single submitter. Criteria: Invitae Variant Classification Sherloc (09022015). Collection method: clinical testing. Allele origin: germline.
Comment: This sequence change replaces glutamine, which is neutral and polar, with arginine, which is basic and polar, at codon 324 of the MFRP protein (p.Gln324Arg). This variant is present in population databases (rs142198552, gnomAD 0.02%). This variant has not been reported in the literature in individuals affected with MFRP-related conditions. ClinVar contains an entry for this variant (Variation ID: 302958). Invitae Evidence Modeling of protein sequence and biophysical properties (such as structural, functional, and spatial information, amino acid conservation, physicochemical variation, residue mobility, and thermodynamic stability) indicates that this missense variant is not expected to disrupt MFRP protein function with a negative predictive value of 80%. In summary, the available evidence is currently insufficient to determine the role of this variant in disease. Therefore, it has been classified as a Variant of Uncertain Significance.

Blueprint Genetics
Classification: Uncertain significance. Last evaluated: 2024-03-29. Review status: criteria provided, single submitter. Criteria: ACMG Guidelines, 2015. Collection method: clinical testing. Allele origin: germline.

Illumina Laboratory Services, Illumina
Classification: Uncertain significance for Isolated microphthalmia 5. Last evaluated: 2018-01-12. Review status: criteria provided, single submitter. Criteria: ICSL Variant Classification Criteria 13 December 2019. Collection method: clinical testing. Allele origin: germline.

Illumina Laboratory Services, Illumina
Classification: Uncertain significance for Late-onset retinal degeneration. Last evaluated: 2018-01-12. Review status: criteria provided, single submitter. Criteria: ICSL Variant Classification Criteria 13 December 2019. Collection method: clinical testing. Allele origin: germline.

GeneDx
Classification: Uncertain significance. Last evaluated: 2016-05-26. Review status: criteria provided, single submitter. Criteria: GeneDx Variant Classification (06012015). Collection method: clinical testing. Allele origin: germline. Affected: yes.
Comment: The Q324R variant in the MFRP gene has not been reported previously as a pathogenic variant, nor as a benign variant, to our knowledge. The Q324R variant was not observed at any significant frequency in approximately 6500 individuals of European and African American ancestry in the NHLBI Exome Sequencing Project, indicating it is not a common benign variant in these populations. The Q324R variant is a semi-conservative amino acid substitution, which may impact secondary protein structure as these residues differ in some properties. This substitution occurs at a position that is not conserved across species, and in silico analysis is inconsistent in its predictions as to whether or not the variant is damaging to the protein structure/function. We interpret Q324R as a variant of uncertain significance.